The following is an entry in ClinVar:

ClinVar aggregate classification (germline): Uncertain significance (1 of 4 stars; one submission).

Allele frequency attached by ClinVar (database versions not stated): gnomAD exomes below 0.00001; ExAC 0.00001; gnomAD 0.00001; TOPMed 0.00001.
gnomAD v4.1: 6 of 1,596,714 alleles (0.00038%); highest among the groups gnomAD compares: East Asian, 0.0022%; no homozygotes.

Submission:

Labcorp Genetics (formerly Invitae), Labcorp
Classification: Uncertain significance. Last evaluated: 2022-08-22. Review status: criteria provided, single submitter. Criteria: Invitae Variant Classification Sherloc (09022015). Collection method: clinical testing. Allele origin: germline.
Comment: This sequence change replaces isoleucine, which is neutral and non-polar, with threonine, which is neutral and polar, at codon 953 of the C5 protein (p.Ile953Thr). This variant is present in population databases (rs755178292, gnomAD 0.0009%). This variant has not been reported in the literature in individuals affected with C5-related conditions. Algorithms developed to predict the effect of missense changes on protein structure and function (SIFT, PolyPhen-2, Align-GVGD) all suggest that this variant is likely to be tolerated. In summary, the available evidence is currently insufficient to determine the role of this variant in disease. Therefore, it has been classified as a Variant of Uncertain Significance.

NM_001735.3(C5):c.2858T>C (p.Ile953Thr)

Gene: C5 (complement C5; minus strand). Cytogenetic location: 9q33.2.
Variant type: single nucleotide variant.
Coding change: c.2858T>C on transcript NM_001735.3 (MANE Select); coding-DNA position 2858, T replaced by C.
Protein change: p.Ile953Thr; replaces isoleucine 953 with threonine.
Molecular consequence: missense variant.
Genome position (GRCh38, 1-based): chr9:120,991,274, A>G on the plus strand (T>C on the coding strand, the complement: C5 is on the minus strand). VCF-style: chr9-120991274-A-G. GRCh37 (hg19) VCF-style: chr9-123753552-A-G.
Other names: c.2876T>C, p.Ile959Thr (NM_001317163.2); short protein forms I953T, I959T.
Identifiers: ClinVar variation 1922270 (VCV001922270.5), dbSNP rs755178292, ClinGen allele CA5217635.